The following is an entry in ClinVar:

ClinVar aggregate classification (germline): Uncertain significance. Review status: criteria provided, multiple submitters, no conflicts (2 of 4 stars). 3 submissions from 3 submitters: Uncertain significance (3). Last evaluated 2025-10-23.

Conditions:
Inborn genetic diseases. Identifiers: MedGen C0950123, MeSH D030342.

Allele frequency attached by ClinVar (database versions not stated): gnomAD exomes 0.00003 and 0.00002; ExAC 0.00005; TOPMed 0.00002; ESP Exome Variant Server 0.00023; gnomAD 0.00002 and 0.00001.
gnomAD v4.1: 45 of 1,612,738 alleles (0.0028%); highest among the groups gnomAD compares: South Asian, 0.0055%; no homozygotes.

Submissions (3):

Ambry Genetics
Classification: Uncertain significance for Inborn genetic diseases. Last evaluated: 2025-10-23. Review status: criteria provided, single submitter. Criteria: Ambry Variant Classification Scheme 2023. Collection method: clinical testing. Allele origin: germline.

GeneDx
Classification: Uncertain significance. Last evaluated: 2023-02-15. Review status: criteria provided, single submitter. Criteria: GeneDx Variant Classification Process June 2021. Collection method: clinical testing. Allele origin: germline. Affected: yes.
Comment: In silico analysis supports that this missense variant has a deleterious effect on protein structure/function; Has not been previously published as pathogenic or benign to our knowledge

Labcorp Genetics (formerly Invitae), Labcorp
Classification: Uncertain significance. Last evaluated: 2021-08-20. Review status: criteria provided, single submitter. Criteria: Invitae Variant Classification Sherloc (09022015). Collection method: clinical testing. Allele origin: germline.
Comment: This sequence change replaces arginine with cysteine at codon 373 of the TONSL protein (p.Arg373Cys). The arginine residue is moderately conserved and there is a large physicochemical difference between arginine and cysteine. This variant is present in population databases (rs138497670, ExAC 0.01%). This variant has not been reported in the literature in individuals affected with TONSL-related conditions. Algorithms developed to predict the effect of missense changes on protein structure and function are either unavailable or do not agree on the potential impact of this missense change (SIFT: "Deleterious"; PolyPhen-2: "Possibly Damaging"; Align-GVGD: "Class C0"). In summary, the available evidence is currently insufficient to determine the role of this variant in disease. Therefore, it has been classified as a Variant of Uncertain Significance.

NM_013432.5(TONSL):c.1117C>T (p.Arg373Cys)

Gene: TONSL (tonsoku like, DNA repair protein; minus strand). Cytogenetic location: 8q24.3.
Variant type: single nucleotide variant.
Coding change: c.1117C>T on transcript NM_013432.5 (MANE Select); coding-DNA position 1117, C replaced by T.
Protein change: p.Arg373Cys; replaces arginine 373 with cysteine.
Molecular consequence: missense variant.
Genome position (GRCh38, 1-based): chr8:144,440,765, G>A on the plus strand (C>T on the coding strand, the complement: TONSL is on the minus strand). VCF-style: chr8-144440765-G-A. GRCh37 (hg19) VCF-style: chr8-145666148-G-A.
Other names: c.1117C>T (NM_013432.4); short protein forms R373C.
Identifiers: ClinVar variation 1367055 (VCV001367055.6), dbSNP rs138497670, ClinGen allele CA4943387.
Genomic context (GRCh38, chr8:144,440,765, plus strand): 5'-GCAAGGGTTTCACCTCCAGCACGTTGCCGCTGCGCAGCCTCAGTTCCTCCTCATAGTGGC[G>A]CACGGCCCCATGGTGGTCCTTCATGTCTCCCAGTGTGGTGGCCAGGGACACGTGGATGAT-3'
Protein context (NP_038460.4, residues 363-383): GDMKDHHGAV[Arg373Cys]HYEEELRLRS